The following is an entry in ClinVar:

NM_004247.4(EFTUD2):c.913G>A (p.Gly305Ser)

Gene: EFTUD2 (elongation factor Tu GTP binding domain containing 2; minus strand). Cytogenetic location: 17q21.31.
Variant type: single nucleotide variant.
Coding change: c.913G>A on transcript NM_004247.4 (MANE Select); coding-DNA position 913, G replaced by A.
Protein change: p.Gly305Ser; replaces glycine 305 with serine.
Molecular consequence: missense variant.
Genome position (GRCh38, 1-based): chr17:44,872,527, C>T on the plus strand (G>A on the coding strand, the complement: EFTUD2 is on the minus strand). VCF-style: chr17-44872527-C-T. GRCh37 (hg19) VCF-style: chr17-42949895-C-T.
Other names: c.808G>A, p.Gly270Ser (NM_001142605.2); c.913G>A, p.Gly305Ser (NM_001258353.2); c.883G>A, p.Gly295Ser (NM_001258354.2); short protein forms G270S, G295S, G305S.
Identifiers: ClinVar variation 3392669 (VCV003392669.1).

ClinVar aggregate classification (germline): Uncertain significance (1 of 4 stars; one submission).

gnomAD v4.1: 1 of 1,613,112 alleles (0.000062%); highest among the groups gnomAD compares: Non-Finnish European, 0.000085%; no homozygotes.

Submission:

GeneDx
Classification: Uncertain significance. Last evaluated: 2024-06-20. Review status: criteria provided, single submitter. Criteria: GeneDx Variant Classification Process June 2021. Collection method: clinical testing. Allele origin: germline. Affected: yes.
Comment: In silico analysis supports that this missense variant has a deleterious effect on protein structure/function; Has not been previously published as pathogenic or benign to our knowledge